The following is an entry in ClinVar:

ClinVar aggregate classification (germline): Uncertain significance (1 of 4 stars; one submission).

Submission:

GeneDx
Classification: Uncertain significance. Last evaluated: 2025-08-01. Review status: criteria provided, single submitter. Criteria: GeneDx Variant Classification Process June 2021. Collection method: clinical testing. Allele origin: germline. Affected: yes.
Comment: Not observed at significant frequency in large population cohorts (gnomAD); In silico analysis suggests that this missense variant does not alter protein structure/function; Has not been previously published as pathogenic or benign to our knowledge

NM_018133.4(MSL2):c.428C>A (p.Thr143Lys)

Gene: MSL2 (MSL complex subunit 2; minus strand). Cytogenetic location: 3q22.3.
Variant type: single nucleotide variant.
Coding change: c.428C>A on transcript NM_018133.4 (MANE Select); coding-DNA position 428, C replaced by A.
Protein change: p.Thr143Lys; replaces threonine 143 with lysine.
Molecular consequence: missense variant.
Genome position (GRCh38, 1-based): chr3:136,152,453, G>T on the plus strand (C>A on the coding strand, the complement: MSL2 is on the minus strand). VCF-style: chr3-136152453-G-T. GRCh37 (hg19) VCF-style: chr3-135871295-G-T.
Other names: c.206C>A, p.Thr69Lys (NM_001145417.2); short protein forms T143K, T69K.
Identifiers: ClinVar variation 4690176 (VCV004690176.1).